The following is an entry in ClinVar:

NM_183065.4(TMEM107):c.*770A>G

Gene: TMEM107 (transmembrane protein 107; minus strand). Cytogenetic location: 17p13.1.
Variant type: single nucleotide variant.
Coding change: c.*770A>G on transcript NM_183065.4 (MANE Select); 770 bases downstream of the stop codon, A replaced by G.
Molecular consequence: 3 prime UTR variant. On other transcripts: non-coding transcript variant (1).
Genome position (GRCh38, 1-based): chr17:8,173,433, T>C on the plus strand (A>G on the coding strand, the complement: TMEM107 is on the minus strand). VCF-style: chr17-8173433-T-C. GRCh37 (hg19) VCF-style: chr17-8076751-T-C.
Other names: c.*770A>G (NM_032354.3, NM_001351278.2, NM_001351279.2 and 2 more transcripts).
Identifiers: ClinVar variation 4933600 (VCV004933600.2).

ClinVar aggregate classification (germline): Likely benign. Review status: criteria provided, multiple submitters, no conflicts (2 of 4 stars). 2 submissions from 2 submitters: Likely benign (2). Last evaluated 2026-06-29.

Conditions:
TMEM107-related disorder. Also called: TMEM107-related condition.

Submissions (2):

PreventionGenetics, part of Exact Sciences
Classification: Likely benign for TMEM107-related condition. Last evaluated: 2026-06-29. Review status: criteria provided, single submitter. Criteria: ACMG Guidelines, 2015. Collection method: clinical testing. Allele origin: germline.
Comment: This variant is classified as likely benign based on ACMG/AMP sequence variant interpretation guidelines (Richards et al. 2015 PMID: 25741868, with internal and published modifications).

Blueprint Genetics
Classification: Likely benign. Last evaluated: 2024-11-26. Review status: criteria provided, single submitter. Criteria: ACMG Guidelines, 2015. Collection method: clinical testing. Allele origin: germline.